The following is an entry in ClinVar:

NM_005141.5(FGB):c.671G>A (p.Arg224His)

Gene: FGB (fibrinogen beta chain; plus strand). Cytogenetic location: 4q31.3.
Variant type: single nucleotide variant.
Coding change: c.671G>A on transcript NM_005141.5 (MANE Select); coding-DNA position 671, G replaced by A.
Protein change: p.Arg224His; replaces arginine 224 with histidine.
Molecular consequence: missense variant.
Genome position (GRCh38, 1-based): chr4:154,567,773, G>A. VCF-style: chr4-154567773-G-A. GRCh37 (hg19) VCF-style: chr4-155488925-G-A.
Other names: c.494G>A, p.Arg165His (NM_001184741.1); c.539G>A, p.Arg180His (NM_001382759.1); c.671G>A, p.Arg224His (NM_001382760.1, NM_001382761.1, NM_001382762.1 and 3 more transcripts); short protein forms R165H, R224H, R180H.
Identifiers: ClinVar variation 3514818 (VCV003514818.2).

ClinVar aggregate classification (germline): Uncertain significance. Review status: criteria provided, multiple submitters, no conflicts (2 of 4 stars). 2 submissions from 2 submitters: Uncertain significance (2). Last evaluated 2025-11-27.

Conditions:
Inborn genetic diseases. Identifiers: MedGen C0950123, MeSH D030342.

gnomAD v4.1: 13 of 1,613,938 alleles (0.00081%); highest among the groups gnomAD compares: East Asian, 0.0022%; no homozygotes.

Submissions (2):

Labcorp Genetics (formerly Invitae), Labcorp
Classification: Uncertain significance. Last evaluated: 2025-11-27. Review status: criteria provided, single submitter. Criteria: Invitae Variant Classification Sherloc (09022015). Collection method: clinical testing. Allele origin: germline.
Comment: This sequence change replaces arginine, which is basic and polar, with histidine, which is basic and polar, at codon 224 of the FGB protein (p.Arg224His). This variant is present in population databases (rs775243595, gnomAD 0.002%). This variant has not been reported in the literature in individuals affected with FGB-related conditions. ClinVar contains an entry for this variant (Variation ID: 3514818). Invitae Evidence Modeling of protein sequence and biophysical properties (such as structural, functional, and spatial information, amino acid conservation, physicochemical variation, residue mobility, and thermodynamic stability) indicates that this missense variant is not expected to disrupt FGB protein function with a negative predictive value of 80%. In summary, the available evidence is currently insufficient to determine the role of this variant in disease. Therefore, it has been classified as a Variant of Uncertain Significance.

Ambry Genetics
Classification: Uncertain significance for Inborn genetic diseases. Last evaluated: 2024-06-30. Review status: criteria provided, single submitter. Criteria: Ambry Variant Classification Scheme 2023. Collection method: clinical testing. Allele origin: germline.